The following is an entry in ClinVar:

NM_000361.3(THBD):c.576C>T (p.Thr192=)

Gene: THBD (thrombomodulin; minus strand). Cytogenetic location: 20p11.21.
Variant type: single nucleotide variant.
Coding change: c.576C>T on transcript NM_000361.3 (MANE Select); coding-DNA position 576, C replaced by T.
Protein change: p.Thr192=; no amino-acid change (threonine 192 retained).
Molecular consequence: synonymous variant.
Genome position (GRCh38, 1-based): chr20:23,048,929, G>A on the plus strand (C>T on the coding strand, the complement: THBD is on the minus strand). VCF-style: chr20-23048929-G-A. GRCh37 (hg19) VCF-style: chr20-23029566-G-A.
Identifiers: ClinVar variation 3656339 (VCV003656339.2).
Genomic context (GRCh38, chr20:23,048,929, plus strand): 5'-GGAGCTGCCCACCGGCAGCGCCTGGAAGTCCGCTCCGCGGGCCGCGAACGGGGTGCCGTA[G>A]GTGATCGAGACGGCGGCAGCCGCGGCGCCGGGCTCCACAGCCAGTGGCCTGCAGGTGGCT-3'
Protein context (NP_000352.1, residues 182-202): PGAAAAAVSI[Thr192=]YGTPFAARGA

ClinVar aggregate classification (germline): Uncertain significance (1 of 4 stars; one submission).

Submission:

Labcorp Genetics (formerly Invitae), Labcorp
Classification: Uncertain significance. Last evaluated: 2024-06-12. Review status: criteria provided, single submitter. Criteria: Invitae Variant Classification Sherloc (09022015). Collection method: clinical testing. Allele origin: germline.
Comment: This sequence change affects codon 192 of the THBD mRNA. It is a 'silent' change, meaning that it does not change the encoded amino acid sequence of the THBD protein. This variant is not present in population databases (gnomAD no frequency). This variant has not been reported in the literature in individuals affected with THBD-related conditions. In summary, the available evidence is currently insufficient to determine the role of this variant in disease. Therefore, it has been classified as a Variant of Uncertain Significance.